The following is an entry in ClinVar:

ClinVar aggregate classification (germline): Uncertain significance. Review status: criteria provided, multiple submitters, no conflicts (2 of 4 stars). 2 submissions from 2 submitters: Uncertain significance (2). Last evaluated 2023-02-03.

Conditions:
Familial sleep-related hypermotor epilepsy. Also called: Autosomal Dominant Sleep-Related Hypermotor (Hyperkinetic) Epilepsy. Identifiers: Orphanet 98784, MedGen C3696898, MONDO:0000030.
Amyotrophic lateral sclerosis (ALS). Also called: Lou Gehrig disease; Charcot disease. Identifiers: Orphanet 803, MedGen C0002736, MONDO:0004976, HP:0007354.

Allele frequency attached by ClinVar (database versions not stated): gnomAD exomes below 0.00001 and 0.00001; TOPMed 0.00002; ExAC 0.00001.
gnomAD v4.1: 10 of 1,611,256 alleles (0.00062%); highest among the groups gnomAD compares: South Asian, 0.0022%; no homozygotes.

Submissions (2):

Labcorp Genetics (formerly Invitae), Labcorp
Classification: Uncertain significance. Last evaluated: 2023-02-03. Review status: criteria provided, single submitter. Criteria: Invitae Variant Classification Sherloc (09022015). Collection method: clinical testing. Allele origin: germline.
Comment: In summary, the available evidence is currently insufficient to determine the role of this variant in disease. Therefore, it has been classified as a Variant of Uncertain Significance. Advanced modeling of protein sequence and biophysical properties (such as structural, functional, and spatial information, amino acid conservation, physicochemical variation, residue mobility, and thermodynamic stability) performed at Invitae indicates that this missense variant is not expected to disrupt CHRNA4 protein function. ClinVar contains an entry for this variant (Variation ID: 873207). This variant has not been reported in the literature in individuals affected with CHRNA4-related conditions. This variant is present in population databases (rs201645533, gnomAD 0.003%). This sequence change replaces asparagine, which is neutral and polar, with threonine, which is neutral and polar, at codon 219 of the CHRNA4 protein (p.Asn219Thr).

Suna and Inan Kirac Foundation Neurodegeneration Research Laboratory, Koc University
Classification: Uncertain significance for Amyotrophic lateral sclerosis. Last evaluated: 2020-03-31. Review status: criteria provided, single submitter. Criteria: ACMG Guidelines, 2015. Collection method: research. Allele origin: germline. Affected: yes. Observed: 1 variant allele.

NM_000744.7(CHRNA4):c.656A>C (p.Asn219Thr)

Gene: CHRNA4 (cholinergic receptor nicotinic alpha 4 subunit; minus strand). Cytogenetic location: 20q13.33.
Variant type: single nucleotide variant.
Coding change: c.656A>C on transcript NM_000744.7 (MANE Select); coding-DNA position 656, A replaced by C.
Protein change: p.Asn219Thr; replaces asparagine 219 with threonine.
Molecular consequence: missense variant. On other transcripts: non-coding transcript variant (1).
Genome position (GRCh38, 1-based): chr20:63,350,755, T>G on the plus strand (A>C on the coding strand, the complement: CHRNA4 is on the minus strand). VCF-style: chr20-63350755-T-G. GRCh37 (hg19) VCF-style: chr20-61982107-T-G.
Other names: c.128A>C, p.Asn43Thr (NM_001256573.2); short protein forms N219T, N43T.
Identifiers: ClinVar variation 873207 (VCV000873207.4), dbSNP rs201645533, ClinGen allele CA9957759.
Genomic context (GRCh38, chr20:63,350,755, plus strand): 5'-ATGACGAAGGCATAGGTGATGTCCGGGTAGATCTCGGCACAGCACTCGTACTTCCTGGTG[T>G]TGTAGGTGCCCACGGCATCCACGATGACCCACTCGCCACTCTCCCAGAAGTCCAGCTGGT-3'
Protein context (NP_000735.1, residues 209-229): WVIVDAVGTY[Asn219Thr]TRKYECCAEI